The following is an entry in ClinVar:

ClinVar aggregate classification (germline): Likely pathogenic (1 of 4 stars; one submission).

Submission:

GeneDx
Classification: Likely pathogenic. Last evaluated: 2013-04-09. Review status: criteria provided, single submitter. Criteria: GeneDx Variant Classification (06012015). Collection method: clinical testing. Allele origin: germline. Affected: yes.
Comment: p.Trp191Arg (TGG>CGG): c.571 T>C in exon 5 of the MYBPC3 gene (NM_000256.3). The Trp191Arg variant in the MYBPC3 gene has not been reported as a disease-causing mutation or as a benign polymorphism to our knowledge. Trp191Arg results in a non-conservative amino acid substitution of a non-polar Tryptophan with a positively charged Arginine at a position that is conserved across species. In silico analysis predicts Trp191Arg is damaging to the protein structure/function. Mutations in nearby residues (Pro186Leu, Gln208His) have been reported in association with HCM, further supporting the functional importance of this region of the protein. Furthermore, the Trp191Arg variant was not observed in approximately 6,000 individuals of European and African American ancestry in the NHLBI Exome Sequencing Project, indicating it is not a common benign variant in these populations.In summary, while Trp191Arg is a good candidate for a disease-causing mutation, with the clinical and molecular information available at this time we cannot unequivocally determine the clinical significance of this variant. Mutations in the MYBPC3 gene have been reported in 20%-30% of patients with autosomal dominant familial hypertrophic cardiomyopathy, and have been reported less frequently in patients with autosomal dominant familial dilated cardiomyopathy (Cirino A et al., 2011; Hershberger R et al., 2009). The variant is found in HCM panel(s).

NM_000256.3(MYBPC3):c.571T>C (p.Trp191Arg)

Gene: MYBPC3 (myosin binding protein C3; minus strand). Cytogenetic location: 11p11.2.
Variant type: single nucleotide variant.
Coding change: c.571T>C on transcript NM_000256.3 (MANE Select); coding-DNA position 571, T replaced by C.
Protein change: p.Trp191Arg; replaces tryptophan 191 with arginine.
Molecular consequence: missense variant.
Genome position (GRCh38, 1-based): chr11:47,349,857, A>G on the plus strand (T>C on the coding strand, the complement: MYBPC3 is on the minus strand). VCF-style: chr11-47349857-A-G. GRCh37 (hg19) VCF-style: chr11-47371408-A-G.
Other names: p.W191R:TGG>CGG; c.571T>C, p.Trp191Arg (LRG_386t1); short protein forms W191R.
Identifiers: ClinVar variation 181045 (VCV000181045.2), dbSNP rs730880622, ClinGen allele CA015508.
Genomic context (GRCh38, chr11:47,349,857, plus strand): 5'-CGTGCAGCTGCAGGTGCTGGCCCACCTTGCTGCTCAGGTCCACCCATTTGCCCTTGAACC[A>G]CTTGACCACAGGCGGCTTCAGGAGGCTGGCGCCGGCCACGCGGGCTGAGAAGGTGATGCT-3'
Protein context (NP_000247.2, residues 181-201): ASLLKPPVVK[Trp191Arg]FKGKWVDLSS